The following is an entry in ClinVar:

NM_000393.5(COL5A2):c.3001C>G (p.Arg1001Gly)

Gene: COL5A2 (collagen type V alpha 2 chain; minus strand). Cytogenetic location: 2q32.2.
Variant type: single nucleotide variant.
Coding change: c.3001C>G on transcript NM_000393.5 (MANE Select); coding-DNA position 3001, C replaced by G.
Protein change: p.Arg1001Gly; replaces arginine 1001 with glycine.
Molecular consequence: missense variant.
Genome position (GRCh38, 1-based): chr2:189,050,607, G>C on the plus strand (C>G on the coding strand, the complement: COL5A2 is on the minus strand). VCF-style: chr2-189050607-G-C. GRCh37 (hg19) VCF-style: chr2-189915333-G-C.
Other names: short protein forms R1001G.
Identifiers: ClinVar variation 2771056 (VCV002771056.3), dbSNP rs863223507, ClinGen allele CA349866976.

ClinVar aggregate classification (germline): Uncertain significance (1 of 4 stars; one submission).

Conditions:
Ehlers-Danlos syndrome, classic type, 1 (EDSCL1). Also called: EHLERS-DANLOS SYNDROME, GRAVIS TYPE; EHLERS-DANLOS SYNDROME, SEVERE CLASSIC TYPE; Ehlers-Danlos syndrome, type 1; Ehlers-Danlos Syndrome, Classic Type, COL5A1-Related; EDS I. Identifiers: MedGen C0268335, MONDO:0019567, OMIM 130000.

Submission:

Labcorp Genetics (formerly Invitae), Labcorp
Classification: Uncertain significance for Ehlers-Danlos syndrome, classic type, 1. Last evaluated: 2023-11-16. Review status: criteria provided, single submitter. Criteria: Invitae Variant Classification Sherloc (09022015). Collection method: clinical testing. Allele origin: germline.
Comment: This sequence change replaces arginine, which is basic and polar, with glycine, which is neutral and non-polar, at codon 1001 of the COL5A2 protein (p.Arg1001Gly). This variant is not present in population databases (gnomAD no frequency). This variant has not been reported in the literature in individuals affected with COL5A2-related conditions. Advanced modeling of protein sequence and biophysical properties (such as structural, functional, and spatial information, amino acid conservation, physicochemical variation, residue mobility, and thermodynamic stability) performed at Invitae indicates that this missense variant is not expected to disrupt COL5A2 protein function with a negative predictive value of 80%. In summary, the available evidence is currently insufficient to determine the role of this variant in disease. Therefore, it has been classified as a Variant of Uncertain Significance.